The following is an entry in ClinVar:

ClinVar aggregate classification (germline): Uncertain significance. Review status: criteria provided, multiple submitters, no conflicts (2 of 4 stars). 3 submissions from 3 submitters: Uncertain significance (3). Last evaluated 2026-06-01.

Conditions:
Lymphangiomyomatosis (LAM). Also called: Lymphangioleiomyomatosis; Lymphangioleiomyomatosis, somatic. Identifiers: Orphanet 538, MedGen C0751674, MONDO:0011705, OMIM 606690.
Isolated focal cortical dysplasia type II (FCORD2). Also called: Focal cortical dysplasia type II; CORTICAL DYSPLASIA OF TAYLOR. Identifiers: Orphanet 268994, MedGen C1846385, MONDO:0011818, OMIM 607341, HP:0032051.
Tuberous sclerosis 2 (TSC2). Identifiers: Orphanet 805, MedGen C1860707, MONDO:0013199, OMIM 613254.
Hereditary cancer-predisposing syndrome. Also called: Tumor predisposition; Hereditary Cancer Syndrome; Neoplastic Syndromes, Hereditary; Hereditary neoplastic syndrome. Identifiers: Orphanet 140162, MedGen C0027672, MeSH D009386, MONDO:0015356.

Allele frequency attached by ClinVar (database versions not stated): gnomAD exomes below 0.00001; TOPMed below 0.00001.

Submissions (3):

Ambry Genetics
Classification: Uncertain significance for Hereditary cancer-predisposing syndrome. Last evaluated: 2026-06-01. Review status: criteria provided, single submitter. Criteria: Ambry Variant Classification Scheme 2023. Collection method: clinical testing. Allele origin: germline.
Comment: The p.A736T variant (also known as c.2206G>A), located in coding exon 19 of the TSC2 gene, results from a G to A substitution at nucleotide position 2206. The alanine at codon 736 is replaced by threonine, an amino acid with similar properties. This amino acid position is not well conserved in available vertebrate species. In addition, the in silico prediction for this alteration is inconclusive. Based on the available evidence, the clinical significance of this variant remains unclear.

Labcorp Genetics (formerly Invitae), Labcorp
Classification: Uncertain significance for Tuberous sclerosis 2. Last evaluated: 2025-01-27. Review status: criteria provided, single submitter. Criteria: Invitae Variant Classification Sherloc (09022015). Collection method: clinical testing. Allele origin: germline.
Comment: This sequence change replaces alanine, which is neutral and non-polar, with threonine, which is neutral and polar, at codon 736 of the TSC2 protein (p.Ala736Thr). This variant is not present in population databases (gnomAD no frequency). This variant has not been reported in the literature in individuals affected with TSC2-related conditions. ClinVar contains an entry for this variant (Variation ID: 639404). Invitae Evidence Modeling of protein sequence and biophysical properties (such as structural, functional, and spatial information, amino acid conservation, physicochemical variation, residue mobility, and thermodynamic stability) indicates that this missense variant is not expected to disrupt TSC2 protein function with a negative predictive value of 95%. In summary, the available evidence is currently insufficient to determine the role of this variant in disease. Therefore, it has been classified as a Variant of Uncertain Significance.

Fulgent Genetics
Classification: Uncertain significance for Lymphangiomyomatosis; Isolated focal cortical dysplasia type II; Tuberous sclerosis 2. Last evaluated: 2024-05-14. Review status: criteria provided, single submitter. Criteria: ACMG Guidelines, 2015. Collection method: clinical testing. Allele origin: germline.

NM_000548.5(TSC2):c.2206G>A (p.Ala736Thr)

Gene: TSC2 (TSC complex subunit 2; plus strand). Cytogenetic location: 16p13.3.
Variant type: single nucleotide variant.
Coding change: c.2206G>A on transcript NM_000548.5 (MANE Select); coding-DNA position 2206, G replaced by A.
Protein change: p.Ala736Thr; replaces alanine 736 with threonine.
Molecular consequence: missense variant.
Genome position (GRCh38, 1-based): chr16:2,072,349, G>A. VCF-style: chr16-2072349-G-A. GRCh37 (hg19) VCF-style: chr16-2122350-G-A.
Other names: c.2206G>A, p.Ala736Thr (NM_001077183.3, NM_001114382.3, NM_001363528.2 and 3 more transcripts); c.2095G>A, p.Ala699Thr (NM_001318827.2); c.2059G>A, p.Ala687Thr (NM_001318829.2); c.1606G>A, p.Ala536Thr (NM_001318831.2); c.2239G>A, p.Ala747Thr (NM_001318832.2); short protein forms A536T, A747T, A687T, A699T, A736T.
Identifiers: ClinVar variation 639404 (VCV000639404.10), dbSNP rs1252599854, ClinGen allele CA394275103.